The following is an entry in ClinVar:

NM_005422.4(TECTA):c.2995A>G (p.Thr999Ala)

Genes: TBCEL-TECTA (TBCEL-TECTA readthrough; plus strand), TECTA (tectorin alpha; plus strand). Cytogenetic location: 11q23.3.
Variant type: single nucleotide variant.
Coding change: c.2995A>G on transcript NM_005422.4 (MANE Select); coding-DNA position 2995, A replaced by G.
Protein change: p.Thr999Ala; replaces threonine 999 with alanine.
Molecular consequence: missense variant.
Genome position (GRCh38, 1-based): chr11:121,137,474, A>G. VCF-style: chr11-121137474-A-G. GRCh37 (hg19) VCF-style: chr11-121008183-A-G.
Other names: c.3952A>G, p.Thr1318Ala (NM_001378761.1); short protein forms T1318A, T999A.
Identifiers: ClinVar variation 1120105 (VCV001120105.4), dbSNP rs1408773314, ClinGen allele CA383018391.

ClinVar aggregate classification (germline): Uncertain significance (1 of 4 stars; one submission).

Allele frequency attached by ClinVar (database versions not stated): gnomAD exomes below 0.00001; TOPMed below 0.00001.
gnomAD v4.1: 1 of 1,613,696 alleles (0.000062%); highest among the groups gnomAD compares: Non-Finnish European, 0.000085%; no homozygotes.

Submission:

Laboratory for Molecular Medicine, Mass General Brigham Personalized Medicine
Classification: Uncertain significance. Last evaluated: 2020-11-10. Review status: criteria provided, single submitter. Criteria: LMM Criteria. Collection method: clinical testing. Allele origin: germline. Observed: 1 variant allele.
Comment: The p.Thr999Ala variant in TECTA has not been previously reported in individuals with hearing loss and was absent from large population studies. Computational prediction tools and conservation analyses do not provide strong support for or against an impact to the protein. In summary, the clinical significance of this variant is uncertain. ACMG/AMP Criteria applied: PM2.